The following is an entry in ClinVar:

ClinVar aggregate classification (germline): Uncertain significance. Review status: criteria provided, multiple submitters, no conflicts (2 of 4 stars). 3 submissions from 3 submitters: Uncertain significance (3). Last evaluated 2026-08-27.

Conditions:
Nephronophthisis 15 (NPHP15). Identifiers: Orphanet 3156, MedGen C3541853, MONDO:0013917, OMIM 614845.
CEP164-related disorder. Also called: CEP164-related condition.

Submissions (3):

PreventionGenetics, part of Exact Sciences
Classification: Uncertain significance for CEP164-related condition. Last evaluated: 2026-08-27. Review status: criteria provided, single submitter. Criteria: ACMG Guidelines, 2015. Collection method: clinical testing. Allele origin: germline.
Comment: The CEP164 c.2233_2235delGAG variant is predicted to result in an in-frame deletion (p.Glu745del). To our knowledge, this variant has not been reported in the literature. This variant is reported in 0.020% of alleles in individuals of African descent in gnomAD. At this time, the clinical significance of this variant is uncertain due to the absence of conclusive functional and genetic evidence.

Fulgent Genetics
Classification: Uncertain significance for Nephronophthisis 15. Last evaluated: 2024-01-06. Review status: criteria provided, single submitter. Criteria: ACMG Guidelines, 2015. Collection method: clinical testing. Allele origin: germline.

Labcorp Genetics (formerly Invitae), Labcorp
Classification: Uncertain significance for Nephronophthisis 15. Last evaluated: 2023-11-16. Review status: criteria provided, single submitter. Criteria: Invitae Variant Classification Sherloc (09022015). Collection method: clinical testing. Allele origin: germline.
Comment: This variant, c.2233_2235del, results in the deletion of 1 amino acid(s) of the CEP164 protein (p.Glu745del), but otherwise preserves the integrity of the reading frame. The frequency data for this variant in the population databases is considered unreliable, as metrics indicate poor data quality at this position in the gnomAD database. This variant has not been reported in the literature in individuals affected with CEP164-related conditions. ClinVar contains an entry for this variant (Variation ID: 2152236). Experimental studies and prediction algorithms are not available or were not evaluated, and the functional significance of this variant is currently unknown. In summary, the available evidence is currently insufficient to determine the role of this variant in disease. Therefore, it has been classified as a Variant of Uncertain Significance.

NM_014956.5(CEP164):c.2233_2235del (p.Glu745del)

Gene: CEP164 (centrosomal protein 164; plus strand). Cytogenetic location: 11q23.3.
Variant type: Deletion.
Coding change: c.2233_2235del on transcript NM_014956.5 (MANE Select); coding-DNA positions 2233 to 2235, 3 bases deleted (GAG; older notation c.2233_2235delGAG).
Protein change: p.Glu745del; deletes glutamic acid 745.
Molecular consequence: inframe deletion.
Genome position (GRCh38, 1-based): chr11:117,391,165-117,391,167, GAG deleted; deleting any 3 consecutive bases within chr11:117,391,163-117,391,167 gives the same sequence; the c. name uses the placement nearest the transcript's 3' end. VCF-style (leftmost placement, unchanged base first): chr11-117391162-AAGG-A. GRCh37 (hg19) VCF-style: chr11-117261878-AAGG-A.
Other names: c.2242_2244del, p.Glu748del (NM_001271933.2); c.2233_2235delGAG (NM_014956.4); short protein forms E745del, E748del.
Identifiers: ClinVar variation 2152236 (VCV002152236.5), dbSNP rs767190723, ClinGen allele CA6294997.